The following is an entry in ClinVar:

NM_001256317.3(TMPRSS3):c.703C>T (p.Gln235Ter)

Gene: TMPRSS3 (transmembrane serine protease 3; minus strand). Cytogenetic location: 21q22.3.
Variant type: single nucleotide variant.
Coding change: c.703C>T on transcript NM_001256317.3 (MANE Select); coding-DNA position 703, C replaced by T.
Protein change: p.Gln235Ter; replaces glutamine 235 with a stop codon.
Molecular consequence: nonsense.
Genome position (GRCh38, 1-based): chr21:42,383,112, G>A on the plus strand (C>T on the coding strand, the complement: TMPRSS3 is on the minus strand). VCF-style: chr21-42383112-G-A. GRCh37 (hg19) VCF-style: chr21-43803221-G-A.
Other names: c.703C>T, p.Gln235Ter (NM_024022.4, NM_032405.2); c.322C>T, p.Gln108Ter (NM_032404.3); c.703C>T (NM_024022.2); short protein forms Q235*, Q108*.
Identifiers: ClinVar variation 2995631 (VCV002995631.4), dbSNP rs2052562532, ClinGen allele CA410373292.

ClinVar aggregate classification (germline): Pathogenic/Likely pathogenic. Review status: criteria provided, multiple submitters, no conflicts (2 of 4 stars). 2 submissions from 2 submitters: Pathogenic (1); Likely pathogenic (1). Last evaluated 2026-01-05.

Conditions:
TMPRSS3-related disorder. Also called: TMPRSS3-related condition.

Allele frequency attached by ClinVar (database versions not stated): gnomAD 0.00001.

Submissions (2):

PreventionGenetics, part of Exact Sciences
Classification: Likely pathogenic for TMPRSS3-related condition. Last evaluated: 2026-01-05. Review status: criteria provided, single submitter. Criteria: ACMG Guidelines, 2015. Collection method: clinical testing. Allele origin: germline.
Comment: The TMPRSS3 c.703C>T variant is predicted to result in premature protein termination (p.Gln235*). To our knowledge, this variant has not been reported in the literature or in a large population database (gnomAD), indicating this variant is rare. Nonsense variants in TMPRSS3 are expected to be pathogenic. This variant is interpreted as likely pathogenic.

Labcorp Genetics (formerly Invitae), Labcorp
Classification: Pathogenic. Last evaluated: 2023-09-23. Review status: criteria provided, single submitter. Criteria: Invitae Variant Classification Sherloc (09022015). Collection method: clinical testing. Allele origin: germline.
Comment: This sequence change creates a premature translational stop signal (p.Gln235*) in the TMPRSS3 gene. It is expected to result in an absent or disrupted protein product. Loss-of-function variants in TMPRSS3 are known to be pathogenic (PMID: 16021470, 26969326). This variant is not present in population databases (gnomAD no frequency). This variant has not been reported in the literature in individuals affected with TMPRSS3-related conditions. Algorithms developed to predict the effect of sequence changes on RNA splicing suggest that this variant may disrupt the consensus splice site. For these reasons, this variant has been classified as Pathogenic.

Literature cited by the submitters: PubMed 16021470 (cited by Labcorp Genetics (formerly Invitae), Labcorp); PubMed 26969326 (cited by Labcorp Genetics (formerly Invitae), Labcorp).